The following is an entry in ClinVar:

NM_000238.4(KCNH2):c.243G>A (p.Gln81=)

Gene: KCNH2 (potassium voltage-gated channel subfamily H member 2; minus strand). Cytogenetic location: 7q36.1.
Variant type: single nucleotide variant.
Coding change: c.243G>A on transcript NM_000238.4 (MANE Select); coding-DNA position 243, G replaced by A.
Protein change: p.Gln81=; no amino-acid change (glutamine 81 retained).
Molecular consequence: synonymous variant. On other transcripts: non-coding transcript variant (1).
Genome position (GRCh38, 1-based): chr7:150,974,775, C>T on the plus strand (G>A on the coding strand, the complement: KCNH2 is on the minus strand). VCF-style: chr7-150974775-C-T. GRCh37 (hg19) VCF-style: chr7-150671863-C-T.
Other names: c.66G>A, p.Gln22= (NM_001406755.1); c.243G>A, p.Gln81= (NM_172056.3).
Identifiers: ClinVar variation 928093 (VCV000928093.14), dbSNP rs199472849, ClinGen allele CA032737.

ClinVar aggregate classification (germline): Likely benign. Review status: criteria provided, multiple submitters, no conflicts (2 of 4 stars). 4 submissions from 4 submitters: Likely benign (4). Last evaluated 2025-03-30.

Conditions:
Long QT syndrome (LQTS). Identifiers: MedGen C0023976, MeSH D008133, MONDO:0002442. Disease mechanism: loss of function. Inheritance: Various modes of inheritance.
Cardiovascular phenotype. Identifiers: MedGen CN230736.
Cardiac arrhythmia. Also called: Cardiac rhythm disease; Arrhythmia. Identifiers: MedGen C0003811, MONDO:0007263, HP:0011675.

Allele frequency attached by ClinVar (database versions not stated): gnomAD exomes below 0.00001; ExAC 0.00001; ESP Exome Variant Server 0.00008.
gnomAD v4.1: 3 of 1,606,534 alleles (0.00019%); highest among the groups gnomAD compares: South Asian, 0.0011%; no homozygotes.

Submissions (4):

Labcorp Genetics (formerly Invitae), Labcorp
Classification: Likely benign for Long QT syndrome. Last evaluated: 2025-03-30. Review status: criteria provided, single submitter. Criteria: Invitae Variant Classification Sherloc (09022015). Collection method: clinical testing. Allele origin: germline.

Ambry Genetics
Classification: Likely benign for Cardiovascular phenotype. Last evaluated: 2024-10-15. Review status: criteria provided, single submitter. Criteria: Ambry Variant Classification Scheme 2023. Collection method: clinical testing. Allele origin: germline.

All of Us Research Program, National Institutes of Health
Classification: Likely benign for Long QT syndrome. Last evaluated: 2023-10-02. Review status: criteria provided, single submitter. Criteria: ACMG Guidelines, 2015. Collection method: clinical testing. Allele origin: germline. Inheritance: Autosomal dominant inheritance. Observed: 2 variant alleles, 2 heterozygotes.
Comment: This study involves interpretation of variants in research participants for the purpose of population health screening. Participant phenotype was not available at the time of variant classification. Additional details can be found in publication PMID: 35346344, PMCID: PMC8962531

Color Diagnostics, LLC DBA Color Health
Classification: Likely benign for Arrhythmia. Last evaluated: 2019-11-24. Review status: criteria provided, single submitter. Criteria: ACMG Guidelines, 2015. Collection method: clinical testing. Allele origin: germline.